The following is an entry in ClinVar:

NM_001145026.2(PTPRQ):c.3886T>C (p.Phe1296Leu)

Gene: PTPRQ (protein tyrosine phosphatase receptor type Q; plus strand). Cytogenetic location: 12q21.31.
Variant type: single nucleotide variant.
Coding change: c.3886T>C on transcript NM_001145026.2 (MANE Select); coding-DNA position 3886, T replaced by C.
Protein change: p.Phe1296Leu; replaces phenylalanine 1296 with leucine.
Molecular consequence: missense variant.
Genome position (GRCh38, 1-based): chr12:80,546,568, T>C. VCF-style: chr12-80546568-T-C. GRCh37 (hg19) VCF-style: chr12-80940347-T-C.
Other names: short protein forms F1296L.
Identifiers: ClinVar variation 1329680 (VCV001329680.4), dbSNP rs1245573437, ClinGen allele CA385877731.
Genomic context (GRCh38, chr12:80,546,568, plus strand): 5'-CAATTTTTTGACAGTGCATTAACTAATAACTTTTTTTCTGTTTTTCAGAATATATCAGGA[T>C]TTAAAACTGAAGCCAAACTTGTTGGACTGGAACCAGTCAGCACCTACTCTATCCGTGTAT-3'
Protein context (NP_001138498.1, residues 1286-1306): DTIYYKNISG[Phe1296Leu]KTEAKLVGLE

ClinVar aggregate classification (germline): Uncertain significance. Review status: criteria provided, multiple submitters, no conflicts (2 of 4 stars). 2 submissions from 2 submitters: Uncertain significance (2). Last evaluated 2025-02-12.

Conditions:
PTPRQ-related disorder. Also called: PTPRQ-related condition.

Allele frequency attached by ClinVar (database versions not stated): gnomAD 0.00002; gnomAD exomes 0.00003 and 0.00004; TOPMed 0.00003.
gnomAD v4.1: 48 of 1,548,426 alleles (0.0031%); highest among the groups gnomAD compares: Admixed American, 0.012%; no homozygotes.

Submissions (2):

PreventionGenetics, part of Exact Sciences
Classification: Uncertain significance for PTPRQ-related condition. Last evaluated: 2025-02-12. Review status: criteria provided, single submitter. Criteria: ACMG Guidelines, 2015. Collection method: clinical testing. Allele origin: germline.
Comment: The PTPRQ c.3886T>C variant is predicted to result in the amino acid substitution p.Phe1296Leu. To our knowledge, this variant has not been reported in the literature. This variant is reported in 0.016% of alleles in individuals of Latino descent in gnomAD. At this time, the clinical significance of this variant is uncertain due to the absence of conclusive functional and genetic evidence.

GeneDx
Classification: Uncertain significance. Last evaluated: 2024-07-22. Review status: criteria provided, single submitter. Criteria: GeneDx Variant Classification Process June 2021. Collection method: clinical testing. Allele origin: germline. Affected: yes.
Comment: In silico analysis indicates that this missense variant does not alter protein structure/function; Has not been previously published as pathogenic or benign to our knowledge